The following is an entry in ClinVar:

ClinVar aggregate classification (germline): Uncertain significance (1 of 4 stars; one submission).

Conditions:
Developmental and epileptic encephalopathy, 23 (DEE23). Also called: Epileptic encephalopathy, early infantile, 23. Identifiers: Orphanet 411986, MedGen C4014492, MONDO:0014371, OMIM 615859.

gnomAD v4.1: 2 of 1,613,714 alleles (0.00012%); no homozygotes.

Submission:

Labcorp Genetics (formerly Invitae), Labcorp
Classification: Uncertain significance for Developmental and epileptic encephalopathy, 23. Last evaluated: 2020-01-21. Review status: criteria provided, single submitter. Criteria: Invitae Variant Classification Sherloc (09022015). Collection method: clinical testing. Allele origin: germline.
Comment: In summary, the available evidence is currently insufficient to determine the role of this variant in disease. Therefore, it has been classified as a Variant of Uncertain Significance. Algorithms developed to predict the effect of missense changes on protein structure and function are either unavailable or do not agree on the potential impact of this missense change (SIFT: "Deleterious"; PolyPhen-2: "Probably Damaging"; Align-GVGD: "Class C0"). This variant has not been reported in the literature in individuals with DOCK7-related conditions. This variant is not present in population databases (ExAC no frequency). This sequence change replaces alanine with threonine at codon 1294 of the DOCK7 protein (p.Ala1294Thr). The alanine residue is highly conserved and there is a small physicochemical difference between alanine and threonine.

NM_001367561.1(DOCK7):c.3880G>A (p.Ala1294Thr)

Gene: DOCK7 (dedicator of cytokinesis 7; minus strand). Cytogenetic location: 1p31.3.
Variant type: single nucleotide variant.
Coding change: c.3880G>A on transcript NM_001367561.1 (MANE Select); coding-DNA position 3880, G replaced by A.
Protein change: p.Ala1294Thr; replaces alanine 1294 with threonine.
Molecular consequence: missense variant.
Genome position (GRCh38, 1-based): chr1:62,528,207, C>T on the plus strand (G>A on the coding strand, the complement: DOCK7 is on the minus strand). VCF-style: chr1-62528207-C-T. GRCh37 (hg19) VCF-style: chr1-62993878-C-T.
Other names: c.3880G>A, p.Ala1294Thr (NM_001271999.2, NM_001330614.2); c.3787G>A, p.Ala1263Thr (NM_001272000.2, NM_001272001.2, NM_033407.4); short protein forms A1263T, A1294T.
Identifiers: ClinVar variation 834762 (VCV000834762.12), dbSNP rs1645071992, ClinGen allele CA340599747.